The following is an entry in ClinVar:

NM_001033855.3(DCLRE1C):c.1219T>C (p.Tyr407His)

Gene: DCLRE1C (DNA cross-link repair 1C; minus strand). Cytogenetic location: 10p13.
Variant type: single nucleotide variant.
Coding change: c.1219T>C on transcript NM_001033855.3 (MANE Select); coding-DNA position 1219, T replaced by C.
Protein change: p.Tyr407His; replaces tyrosine 407 with histidine.
Molecular consequence: missense variant. On other transcripts: non-coding transcript variant (4).
Genome position (GRCh38, 1-based): chr10:14,909,268, A>G on the plus strand (T>C on the coding strand, the complement: DCLRE1C is on the minus strand). VCF-style: chr10-14909268-A-G. GRCh37 (hg19) VCF-style: chr10-14951267-A-G.
Other names: c.859T>C, p.Tyr287His (NM_001033857.3, NM_001033858.3, NM_001289077.2 and 2 more transcripts); c.874T>C, p.Tyr292His (NM_001289076.2, NM_001289078.2, NM_001350966.2 and 1 more transcripts); c.1219T>C, p.Tyr407His (NM_001350965.2); short protein forms Y407H, Y287H, Y292H.
Identifiers: ClinVar variation 1990288 (VCV001990288.1), dbSNP rs569397454, ClinGen allele CA5416521.
Genomic context (GRCh38, chr10:14,909,268, plus strand): 5'-CAGGCTGCTTTTCTGATACTGCAGTCATTGAAAATACCTCAGGGTGAAAAGTTTCCGGGT[A>G]TGGAACTTTGTGCCTTAAAGGTATTGGCAGAGGATCATCAAAGAGATAGTCATCTTCCTC-3'
Protein context (NP_001029027.1, residues 397-417): LPIPLRHKVP[Tyr407His]PETFHPEVFS

ClinVar aggregate classification (germline): Uncertain significance (1 of 4 stars; one submission).

Conditions:
Severe combined immunodeficiency due to DCLRE1C deficiency (RS-SCID). Also called: SCID, AUTOSOMAL RECESSIVE, T CELL-NEGATIVE, B CELL-NEGATIVE, NK CELL-POSITIVE, WITH SENSITIVITY TO IONIZING RADIATION. Identifiers: Orphanet 275, MedGen C1865371, MONDO:0011225, OMIM 602450.

Allele frequency attached by ClinVar (database versions not stated): ExAC 0.00001; 1000 Genomes Project 30x 0.00016; 1000 Genomes Project 0.00020; gnomAD 0.00001.
gnomAD v4.1: 2 of 1,613,878 alleles (0.00012%); highest among the groups gnomAD compares: South Asian, 0.0011%; no homozygotes.

Submission:

Labcorp Genetics (formerly Invitae), Labcorp
Classification: Uncertain significance for Athabaskan severe combined immunodeficiency. Last evaluated: 2022-01-19. Review status: criteria provided, single submitter. Criteria: Invitae Variant Classification Sherloc (09022015). Collection method: clinical testing. Allele origin: germline.
Comment: This sequence change replaces tyrosine, which is neutral and polar, with histidine, which is basic and polar, at codon 407 of the DCLRE1C protein (p.Tyr407His). This variant is present in population databases (rs569397454, gnomAD 0.003%). This variant has not been reported in the literature in individuals affected with DCLRE1C-related conditions. Algorithms developed to predict the effect of missense changes on protein structure and function (SIFT, PolyPhen-2, Align-GVGD) all suggest that this variant is likely to be tolerated. In summary, the available evidence is currently insufficient to determine the role of this variant in disease. Therefore, it has been classified as a Variant of Uncertain Significance.